The following is an entry in ClinVar:

NM_020975.6(RET):c.3191T>C (p.Met1064Thr)

Gene: RET (ret proto-oncogene; plus strand). Cytogenetic location: 10q11.21.
Variant type: single nucleotide variant.
Coding change: c.3191T>C on transcript NM_020975.6 (MANE Select); coding-DNA position 3191, T replaced by C.
Protein change: p.Met1064Thr; replaces methionine 1064 with threonine.
Molecular consequence: missense variant.
Genome position (GRCh38, 1-based): chr10:43,128,115, T>C. VCF-style: chr10-43128115-T-C. GRCh37 (hg19) VCF-style: chr10-43623563-T-C.
Other names: c.3191T>C (LRG_518t1); short protein forms M1064T.
Identifiers: ClinVar variation 161359 (VCV000161359.28), dbSNP rs149513065, ClinGen allele CA010903.
Genomic context (GRCh38, chr10:43,128,115, plus strand): 5'-CTGCACTTGAAGTTTTGGTTCTTCAGTGCAGAACAAATGATCTGTTTTCATTTTTAGGCA[T>C]GTCAGACCCGAACTGGCCTGGAGAGAGTCCTGTACCACTCACGAGAGCTGATGGCACTAA-3'
Protein context (NP_066124.1, residues 1054-1074): STWIENKLYG[Met1064Thr]SDPNWPGESP

ClinVar aggregate classification (germline): Uncertain significance. Review status: criteria provided, multiple submitters, no conflicts (2 of 4 stars). 10 submissions from 10 submitters: Uncertain significance (9). 1 of the submissions does not count toward it. Last evaluated 2025-10-27.

Conditions:
Hirschsprung disease, susceptibility to, 1 (HSCR1). Also called: RET-Related Hirschsprung Disease. Identifiers: Orphanet 388, MedGen C3888239, MONDO:0007723, OMIM 142623.
Multiple endocrine neoplasia type 2A. Also called: MULTIPLE ENDOCRINE NEOPLASIA, TYPE IIA; PTC SYNDROME; SIPPLE SYNDROME; MEN 2A; MEN-2A syndrome; Pheochromocytoma and amyloid producing medullary thyroid carcinoma. Identifiers: Orphanet 247698, Orphanet 653, MedGen C0025268, MeSH D018813, MONDO:0008234, OMIM 171400.
Multiple endocrine neoplasia type 2B. Also called: WAGENMANN-FROBOESE SYNDROME; MULTIPLE ENDOCRINE NEOPLASIA, TYPE III; Multiple endocrine neoplasia, type 3; MULTIPLE ENDOCRINE NEOPLASIA, TYPE IIB; MEN 2B; MEN IIB. Identifiers: Orphanet 247709, Orphanet 653, MedGen C0025269, MeSH D018814, MONDO:0008082, OMIM 162300.
Pheochromocytoma. Also called: MAX-Related Hereditary Paraganglioma-Pheochromocytoma Syndrome. Identifiers: Orphanet 29072, MedGen C0031511, MONDO:0008233, OMIM 171300, HP:0002666.
Familial medullary thyroid carcinoma (MTC). Also called: Thyroid cancer, familial medullary; MTC, familial; Familial Medullary Thyroid Carcinoma (FMTC). Identifiers: Orphanet 653, Orphanet 99361, MedGen C1833921, MONDO:0007958, OMIM 155240.
Hereditary cancer-predisposing syndrome. Also called: Neoplastic Syndromes, Hereditary; Hereditary Cancer Syndrome; Tumor predisposition; Hereditary neoplastic syndrome. Identifiers: Orphanet 140162, MedGen C0027672, MeSH D009386, MONDO:0015356.
Multiple endocrine neoplasia, type 2 (MEN2). Identifiers: Orphanet 653, MedGen C4048306, MONDO:0019003. Disease mechanism: gain of function.
Aganglionic megacolon (HSCR). Also called: Hirschsprung's disease; Hirschsprung disease. Identifiers: Orphanet 388, MedGen C0019569, MeSH D006627, MONDO:0018309, HP:0002251.

Allele frequency attached by ClinVar (database versions not stated): gnomAD 0.00002 and 0.00003; gnomAD exomes 0.00002 and 0.00001; TOPMed 0.00003; 1000 Genomes Project 0.00020; ExAC 0.00002; ESP Exome Variant Server 0.00008; 1000 Genomes Project 30x 0.00016.

Submissions (10):

Labcorp Genetics (formerly Invitae), Labcorp
Classification: Uncertain significance for Multiple endocrine neoplasia, type 2. Last evaluated: 2025-10-27. Review status: criteria provided, single submitter. Criteria: Invitae Variant Classification Sherloc (09022015). Collection method: clinical testing. Allele origin: germline.
Comment: This sequence change replaces methionine, which is neutral and non-polar, with threonine, which is neutral and polar, at codon 1064 of the RET protein (p.Met1064Thr). This variant is present in population databases (rs149513065, gnomAD 0.01%). This missense change has been observed in individual(s) with clinical features of RET-related conditions (PMID: 7581377, 14633923, 27525386). ClinVar contains an entry for this variant (Variation ID: 161359). An algorithm developed to predict the effect of missense changes on protein structure and function (PolyPhen-2) suggests that this variant is likely to be disruptive. Experimental studies are conflicting or provide insufficient evidence to determine the effect of this variant on RET function (PMID: 9047383, 9502784). In summary, the available evidence is currently insufficient to determine the role of this variant in disease. Therefore, it has been classified as a Variant of Uncertain Significance.

Ambry Genetics
Classification: Uncertain significance for Hereditary cancer-predisposing syndrome. Last evaluated: 2025-07-31. Review status: criteria provided, single submitter. Criteria: Ambry Variant Classification Scheme 2023. Collection method: clinical testing. Allele origin: germline.
Comment: The p.M1064T variant (also known as c.3191T>C), located in coding exon 20 of the RET gene, results from a T to C substitution at nucleotide position 3191. The methionine at codon 1064 is replaced by threonine, an amino acid with similar properties. This variant has previously been reported in individuals affected with Hirschsprung disease (So MT et al. PLoS ONE 2011 Dec; 6(12):e28986; Atti&eacute; T et al. Hum. Mol. Genet. 1995 Aug; 4(8):1381-6; Jannot AS et al. Eur. J. Hum. Genet. 2012 Sep; 20(9):917-20; Garcia-Barcel&oacute; M et al. Clin Chem, 2004 Jan;50:93-100), as well as medullary thyroid cancer and pheochromocytoma (Sherman S et al. Cancer 2016 Dec;122(24):3856-3864; Ambry internal data). However, this variant has been detected in multiple individuals with no reported features of RET-associated disease (Ambry internal data). Functional studies using co-transfection with a constitutively activated MEN2A form of RET have shown this variant has minimal biological effect (Pelet A et al. J. Clin. Invest. 1998 Mar; 101(6):1415-23). Another study evaluated the effects of this alteration on binding various domains of the adaptor protein Shc, and found that p.M1064T binds three domains equally well as wild-type; but demonstrates a 30-40% reduction in binding affinity for the PTB domain of Shc (JLorenzo MJ et al. Oncogene 1997 Feb; 14(7):763-71). This amino acid position is highly conserved in available vertebrate species. In addition, this alteration is predicted to be deleterious by in silico analysis. Based on the available evidence, the clinical significance of this variant remains unclear.

Quest Diagnostics Nichols Institute San Juan Capistrano
Classification: Uncertain significance. Last evaluated: 2025-06-24. Review status: criteria provided, single submitter. Criteria: Quest Diagnostics criteria. Collection method: clinical testing. Allele origin: unknown.

Color Diagnostics, LLC DBA Color Health
Classification: Uncertain significance for Multiple endocrine neoplasia, type 2. Last evaluated: 2025-06-04. Review status: criteria provided, single submitter. Criteria: ACMG Guidelines, 2015. Collection method: clinical testing. Allele origin: germline.
Comment: This missense variant replaces methionine with threonine at codon 1064 of the RET protein. Computational prediction suggests that this variant may have deleterious impact on protein structure and function. Functional studies have reported conflicting findings for the impact of this variant on cell transformation and kinase activity (PMID: 9047383, 9502784). This variant has been reported in an individual affected with medullary thyroid cancer (PMID: 27525386) and individuals affected with Hirschsprung disease (PMID: 14633923, 22174939, 22395866). This variant has been identified in 4/251476 chromosomes in the general population by the Genome Aggregation Database (gnomAD). The available evidence is insufficient to determine the role of this variant in disease conclusively. Therefore, this variant is classified as a Variant of Uncertain Significance.

Fulgent Genetics
Classification: Uncertain significance for Hirschsprung disease, susceptibility to, 1; Familial medullary thyroid carcinoma; Multiple endocrine neoplasia type 2B; Pheochromocytoma; Multiple endocrine neoplasia type 2A. Last evaluated: 2024-04-12. Review status: criteria provided, single submitter. Criteria: ACMG Guidelines, 2015. Collection method: clinical testing. Allele origin: germline.

Baylor Genetics
Classification: Uncertain significance for Hirschsprung disease, susceptibility to, 1. Last evaluated: 2024-01-19. Review status: criteria provided, single submitter. Criteria: ACMG Guidelines, 2015. Collection method: clinical testing. Allele origin: unknown.

All of Us Research Program, National Institutes of Health
Classification: Uncertain significance for Multiple endocrine neoplasia, type 2. Last evaluated: 2023-12-13. Review status: criteria provided, single submitter. Criteria: ACMG Guidelines, 2015. Collection method: clinical testing. Allele origin: germline. Inheritance: Autosomal dominant inheritance. Observed: 6 variant alleles, 6 heterozygotes.
Comment: This missense variant replaces methionine with threonine at codon 1064 of the RET protein. Computational prediction suggests that this variant may have deleterious impact on protein structure and function (internally defined REVEL score threshold >= 0.7, PMID: 27666373). Functional studies have reported conflicting evidence of this variant's impact on transforming and kinase activity (PMID: 9047383, 9502784). This variant has been reported in an individual affected with medullary thyroid cancer (PMID: 27525386) and individuals affected with Hirschsprung disease (PMID: 14633923, 22174939, 22395866). This variant has been identified in 4/251476 chromosomes in the general population by the Genome Aggregation Database (gnomAD). The available evidence is insufficient to determine the role of this variant in disease conclusively. Therefore, this variant is classified as a Variant of Uncertain Significance.

This study involves interpretation of variants in research participants for the purpose of population health screening. Participant phenotype was not available at the time of variant classification. Additional details can be found in publication PMID: 35346344, PMCID: PMC8962531

Mayo Clinic Laboratories, Mayo Clinic
Classification: Uncertain significance. Last evaluated: 2022-03-18. Review status: criteria provided, single submitter. Criteria: ACMG Guidelines, 2015. Collection method: clinical testing. Allele origin: germline. Observed: 1 variant allele.
Comment: PP3

Sema4
Classification: Uncertain significance for Hereditary cancer-predisposing syndrome. Last evaluated: 2021-10-31. Review status: criteria provided, single submitter. Criteria: Sema4 Curation Guidelines. Collection method: curation. Allele origin: germline.
Comment: The RET c.3191T>C (p.M1064T) variant has been reported in heterozygosity in at least three individuals with Hirschsprung disease (PMID: 7581377, 22395866, 14633923, 27525386). This variant has also been reported in at least one individual with medullary thyroid cancer (PMID: 27525386). It was observed in two members of a family affected with Hirschsprung disease; however, it was not found to fully segregate with disease as a third family member that carried this variant was unaffected (PMID: 7581377). A functional study demonstrated the normal transforming capacity, neuronal differentiation capability, or catalytic activity of the protein when co-transfected with a constitutively activated MEN2A form of RET (PMID: 9502784). However, a different functional study demonstrated a 30-40% reduction in binding affinity for the PTB domain of Shc at Y1064 and a 50% reduction in Shc phosphorylation versus wild type (PMID: 9047383). This variant was observed in 3/16256 chromosomes in the African/African American subpopulation in the large and broad cohorts of the Genome Aggregation Database (PMID: 32461654). This variant has been reported in ClinVar (Variation ID: 161359). In silico tools suggest the impact of the variant on protein function is deleterious. The evidence is insufficient to meet ACMG/AMP criteria for classifying the variant as benign or pathogenic. Thus, the clinical significance of this variant is currently uncertain.

CSER _CC_NCGL, University of Washington
Classification: Uncertain significance for Hirschsprung disease. Last evaluated: 2014-06-01. Review status: no assertion criteria provided. Collection method: research. Allele origin: germline. Inheritance: Autosomal dominant inheritance. Study: ESP 6500 variant annotation. Not counted in ClinVar's aggregate classification.
Comment: Variants classified for the Actionable exomic incidental findings in 6503 participants: challenges of variant classification manuscript

Literature cited by the submitters: PubMed 7581377 (cited by 3 submitters); PubMed 14633923 (cited by 5 submitters); PubMed 27525386 (cited by 5 submitters); PubMed 9047383 (cited by 5 submitters); PubMed 9502784 (cited by 5 submitters); PubMed 22174939 (cited by 3 submitters); PubMed 22395866 (cited by 4 submitters); PubMed 24336963 (cited by Ambry Genetics); PubMed 25637381 (cited by Ambry Genetics); PubMed 9067749 (cited by Ambry Genetics).